The following is an entry in ClinVar:

NM_000088.4(COL1A1):c.4061T>G (p.Phe1354Cys)

Gene: COL1A1 (collagen type I alpha 1 chain; minus strand). Cytogenetic location: 17q21.33.
Variant type: single nucleotide variant.
Coding change: c.4061T>G on transcript NM_000088.4 (MANE Select); coding-DNA position 4061, T replaced by G.
Protein change: p.Phe1354Cys; replaces phenylalanine 1354 with cysteine.
Molecular consequence: missense variant.
Genome position (GRCh38, 1-based): chr17:50,185,965, A>C on the plus strand (T>G on the coding strand, the complement: COL1A1 is on the minus strand). VCF-style: chr17-50185965-A-C. GRCh37 (hg19) VCF-style: chr17-48263326-A-C.
Other names: short protein forms F1354C.
Identifiers: ClinVar variation 2152887 (VCV002152887.4), dbSNP rs545518162, ClinGen allele CA8644260.

ClinVar aggregate classification (germline): Uncertain significance (1 of 4 stars; one submission).

Conditions:
Osteogenesis imperfecta type I (OI1). Also called: OI, TYPE I; OSTEOGENESIS IMPERFECTA TARDA; OSTEOGENESIS IMPERFECTA WITH BLUE SCLERAE; Lobstein's Disease; Osteogenesis imperfecta type 1; Classic Non-deforming Osteogenesis Imperfecta with Blue Sclerae. Identifiers: Orphanet 216796, Orphanet 666, MedGen C0023931, MONDO:0008146, OMIM 166200. Disease mechanism: loss of function.

Allele frequency attached by ClinVar (database versions not stated): gnomAD 0.00001; gnomAD exomes 0.00001; TOPMed 0.00003; ExAC 0.00004.

Submission:

Labcorp Genetics (formerly Invitae), Labcorp
Classification: Uncertain significance for Osteogenesis imperfecta type I. Last evaluated: 2026-01-22. Review status: criteria provided, single submitter. Criteria: Invitae Variant Classification Sherloc (09022015). Collection method: clinical testing. Allele origin: germline.
Comment: This sequence change replaces phenylalanine, which is neutral and non-polar, with cysteine, which is neutral and slightly polar, at codon 1354 of the COL1A1 protein (p.Phe1354Cys). This variant is present in population databases (rs545518162, gnomAD 0.01%). This missense change has been observed in individual(s) with clinical features of COL1A2-related conditions (internal data). ClinVar contains an entry for this variant (Variation ID: 2152887). Invitae Evidence Modeling of protein sequence and biophysical properties (such as structural, functional, and spatial information, amino acid conservation, physicochemical variation, residue mobility, and thermodynamic stability) indicates that this missense variant is expected to disrupt COL1A1 protein function with a positive predictive value of 95%. In summary, the available evidence is currently insufficient to determine the role of this variant in disease. Therefore, it has been classified as a Variant of Uncertain Significance.